The following is an entry in ClinVar:

NM_001042432.2(CLN3):c.245dup (p.His84fs)

Gene: CLN3 (CLN3 lysosomal/endosomal transmembrane protein, battenin; minus strand). Cytogenetic location: 16p12.1.
Variant type: Duplication.
Coding change: c.245dup on transcript NM_001042432.2 (MANE Select); coding-DNA position 245, one base duplicated (T; older notation c.245dupT).
Protein change: p.His84fs; shifts the reading frame from histidine 84.
Molecular consequence: frameshift variant. On other transcripts: intron variant (2).
Genome position (GRCh38, 1-based): chr16:28,488,640, A duplicated on the plus strand (T on the coding strand, the reverse complement: CLN3 is on the minus strand). VCF-style (leftmost placement, unchanged base first): chr16-28488639-G-GA. GRCh37 (hg19) VCF-style: chr16-28499960-G-GA.
Other names: c.245dup, p.His84fs (NM_000086.2); c.25dup, p.Ser9fs (NM_001286105.2); c.83dup, p.His30fs (NM_001286110.2); c.60+650dup (NM_001286109.2); c.222+650dup (NM_001286104.2); short protein forms S9fs, H30fs, H84fs.
Identifiers: ClinVar variation 5015157 (VCV005015157.1).

ClinVar aggregate classification (germline): Pathogenic (1 of 4 stars; one submission).

Conditions:
Neuronal ceroid lipofuscinosis 3 (CLN3). Identifiers: Orphanet 228346, MedGen C0751383, MONDO:0008767, OMIM 204200.

Submission:

Myriad Genetics, Inc.
Classification: Pathogenic for Neuronal ceroid lipofuscinosis 3. Last evaluated: 2025-10-30. Review status: criteria provided, single submitter. Criteria: Myriad Autosomal Dominant, Autosomal Recessive and X-Linked Classification Criteria (2023). Collection method: clinical testing. Allele origin: unknown.
Comment: NM_001042432.1(CLN3):c.245dupT(H84Pfs*8) is expected to be pathogenic in the context of CLN3-related disorders. This variant is predicted to lead to an abnormal or absent protein product due to the creation of a premature termination codon in CLN3, a gene where loss-of-function variants are known to be pathogenic. Please note: this variant was assessed in the context of healthy population screening.